The following is an entry in ClinVar:

ClinVar aggregate classification (germline): Uncertain significance. Review status: criteria provided, multiple submitters, no conflicts (2 of 4 stars). 4 submissions from 4 submitters: Uncertain significance (4). Last evaluated 2025-08-31.

Conditions:
Cardiovascular phenotype. Identifiers: MedGen CN230736.
Dilated cardiomyopathy 1JJ (CMD1JJ). Identifiers: Orphanet 154, MedGen C3808935, MONDO:0014095, OMIM 615235.
LAMA4-related disorder. Also called: LAMA4-related condition.

Allele frequency attached by ClinVar (database versions not stated): ExAC 0.00001; gnomAD exomes 0.00001; gnomAD 0.00004; TOPMed 0.00004; ESP Exome Variant Server 0.00008.
gnomAD v4.1: 27 of 1,613,968 alleles (0.0017%); highest among the groups gnomAD compares: African/African-American, 0.0093%; no homozygotes.

Submissions (4):

Ambry Genetics
Classification: Uncertain significance for Cardiovascular phenotype. Last evaluated: 2025-08-31. Review status: criteria provided, single submitter. Criteria: Ambry Variant Classification Scheme 2023. Collection method: clinical testing. Allele origin: germline.
Comment: The p.R223C variant (also known as c.667C>T), located in coding exon 5 of the LAMA4 gene, results from a C to T substitution at nucleotide position 667. The arginine at codon 223 is replaced by cysteine, an amino acid with highly dissimilar properties. This amino acid position is not well conserved in available vertebrate species. In addition, the in silico prediction for this alteration is inconclusive. Since supporting evidence is limited at this time, the clinical significance of this alteration remains unclear.

Labcorp Genetics (formerly Invitae), Labcorp
Classification: Uncertain significance for Dilated cardiomyopathy 1JJ. Last evaluated: 2025-06-07. Review status: criteria provided, single submitter. Criteria: Invitae Variant Classification Sherloc (09022015). Collection method: clinical testing. Allele origin: germline.
Comment: This sequence change replaces arginine, which is basic and polar, with cysteine, which is neutral and slightly polar, at codon 223 of the LAMA4 protein (p.Arg223Cys). This variant is present in population databases (rs372074151, gnomAD 0.01%). This variant has not been reported in the literature in individuals affected with LAMA4-related conditions. ClinVar contains an entry for this variant (Variation ID: 1308000). Invitae Evidence Modeling of protein sequence and biophysical properties (such as structural, functional, and spatial information, amino acid conservation, physicochemical variation, residue mobility, and thermodynamic stability) indicates that this missense variant is expected to disrupt LAMA4 protein function with a positive predictive value of 80%. In summary, the available evidence is currently insufficient to determine the role of this variant in disease. Therefore, it has been classified as a Variant of Uncertain Significance.

PreventionGenetics, part of Exact Sciences
Classification: Uncertain significance for LAMA4-related condition. Last evaluated: 2024-10-25. Review status: criteria provided, single submitter. Criteria: ACMG Guidelines, 2015. Collection method: clinical testing. Allele origin: germline.
Comment: The LAMA4 c.667C>T variant is predicted to result in the amino acid substitution p.Arg223Cys. To our knowledge, this variant has not been reported in the literature. This variant is reported in 0.012% of alleles in individuals of African descent in gnomAD. At this time, the clinical significance of this variant is uncertain due to the absence of conclusive functional and genetic evidence.

GeneDx
Classification: Uncertain significance. Last evaluated: 2019-08-15. Review status: criteria provided, single submitter. Criteria: GeneDx Variant Classification Process June 2021. Collection method: clinical testing. Allele origin: germline. Affected: yes.
Comment: Has not been previously published as pathogenic or benign to our knowledge; Not observed at a significant frequency in large population cohorts (Lek et al., 2016); In silico analysis, which includes protein predictors and evolutionary conservation, supports a deleterious effect

NM_001105206.3(LAMA4):c.667C>T (p.Arg223Cys)

Gene: LAMA4 (laminin subunit alpha 4; minus strand). Cytogenetic location: 6q21.
Variant type: single nucleotide variant.
Coding change: c.667C>T on transcript NM_001105206.3 (MANE Select); coding-DNA position 667, C replaced by T.
Protein change: p.Arg223Cys; replaces arginine 223 with cysteine.
Molecular consequence: missense variant.
Genome position (GRCh38, 1-based): chr6:112,191,687, G>A on the plus strand (C>T on the coding strand, the complement: LAMA4 is on the minus strand). VCF-style: chr6-112191687-G-A. GRCh37 (hg19) VCF-style: chr6-112512889-G-A.
Other names: c.667C>T (NM_002290.4); c.667C>T, p.Arg223Cys (NM_001105207.3, NM_002290.5); short protein forms R223C.
Identifiers: ClinVar variation 1308000 (VCV001308000.12), dbSNP rs372074151, ClinGen allele CA3966089.
Genomic context (GRCh38, chr6:112,191,687, plus strand): 5'-ATACTGCACCTGCACAGTTCTTGGCTATCCTGGCGTCCCCATAGTAGCCAGGAGCGCAAC[G>A]TTCACACTTGAATCCGGTGGTGTTGCGTAAGCAATTCCTACACTGGCCAGTGACTTCATC-3'
Protein context (NP_001098676.2, residues 213-233): LRNTTGFKCE[Arg223Cys]CAPGYYGDAR